The following is an entry in ClinVar:

NM_021930.6(RINT1):c.1318A>G (p.Thr440Ala)

Gene: RINT1 (RAD50 interactor 1; plus strand). Cytogenetic location: 7q22.3.
Variant type: single nucleotide variant.
Coding change: c.1318A>G on transcript NM_021930.6 (MANE Select); coding-DNA position 1318, A replaced by G.
Protein change: p.Thr440Ala; replaces threonine 440 with alanine.
Molecular consequence: missense variant. On other transcripts: non-coding transcript variant (1).
Genome position (GRCh38, 1-based): chr7:105,550,471, A>G. VCF-style: chr7-105550471-A-G. GRCh37 (hg19) VCF-style: chr7-105190918-A-G.
Other names: c.1084A>G, p.Thr362Ala (NM_001346599.2); c.295A>G, p.Thr99Ala (NM_001346600.2, NM_001346603.2); c.394A>G, p.Thr132Ala (NM_001346601.2); short protein forms T99A, T362A, T440A, T132A.
Identifiers: ClinVar variation 3433610 (VCV003433610.1).
Genomic context (GRCh38, chr7:105,550,471, plus strand): 5'-GGCACTTTTGCTAGTTGTATGCATATTCTATCAGAGGAAACCTGTTTTCAGAGATGGTTG[A>G]CGGTGGAGAGAAAATGTAAGTGCTGATGTGGCCAGATGGTAGGGAGATATGTCTGTTTCT-3'
Protein context (NP_068749.3, residues 430-450): SEETCFQRWL[Thr440Ala]VERKFALQKM

ClinVar aggregate classification (germline): Uncertain significance (1 of 4 stars; one submission).

Submission:

Ambry Genetics
Classification: Uncertain significance. Last evaluated: 2024-08-26. Review status: criteria provided, single submitter. Criteria: Ambry Variant Classification Scheme 2023. Collection method: clinical testing. Allele origin: germline.
Comment: The p.T440A variant (also known as c.1318A>G), located in coding exon 9 of the RINT1 gene, results from an A to G substitution at nucleotide position 1318. The threonine at codon 440 is replaced by alanine, an amino acid with similar properties. This amino acid position is conserved. In addition, this alteration is predicted to be tolerated by in silico analysis. Based on the available evidence, the clinical significance of this variant remains unclear.